The following is an entry in ClinVar:

ClinVar aggregate classification (germline): Pathogenic (1 of 4 stars; one submission).

Conditions:
Prader-Willi syndrome (PWS). Identifiers: Orphanet 739, MedGen C0032897, MONDO:0008300, OMIM 176270. Disease mechanism: Microdeletion, loss of function. Inheritance: Microdletion.

Submission:

The Central Laboratory of Birth Defects Prevention and Control, The Affiliated Women and Children's Hospital of Ningbo University
Classification: Pathogenic for Prader-Willi syndrome. Last evaluated: 2025-11-28. Review status: criteria provided, single submitter. Criteria: ACMG/ClinGen CNV Guidelines, 2019. Collection method: clinical testing. Allele origin: de novo. Affected: yes.
Comment: The 15q11.2q13 recurrent deletion interval (BP1-BP3) of the Prader-Willi/Angelman critical region includes several imprinted genes, including paternally expressed SNRPN (OMIM 182279) and maternally expressed UBE3A (OMIM 601623). Paternally-derived deletions of this region cause Prader-Willi syndrome and maternally-derived deletions cause Angelman syndrome (PMID: 7611294, 22045295, 30767844). There are no similar deletions reported in the general population in DGV database. Over 20 Cases within this region have been reported in the ClinGen database and Decipher database. In summary, this variant meets criteria to be classified as pathogenic. The ACMG/ClinGen evidence codes and points used in this curation are as follows: 1A: 0 points, 2A: 1.0 points, 4C: 0.35 points; Total: 1.35 points (PMID: 31690835).

Literature cited by the submitters: PubMed 7611294; PubMed 22045295; PubMed 30767844.

GRCh38/hg38 15q11.2-13.1(chr15:22690768-28710606)x1

Genes: ATP10A (ATPase phospholipid transporting 10A (putative); minus strand), ATP10A-DT (ATP10A divergent transcript; plus strand), CYFIP1 (cytoplasmic FMR1 interacting protein 1; minus strand), GABRA5 (gamma-aminobutyric acid type A receptor subunit alpha5; plus strand), GABRB3 (gamma-aminobutyric acid type A receptor subunit beta3; minus strand) and 170 more. Cytogenetic location: 15q11.2-13.1.
Variant type: copy number loss.
Change: copy number 1 (one copy instead of two) of chr15:22,690,768-28,710,606 (6.02 Mb, GRCh38 coordinates, 1-based), cytogenetic band 15q11.2-13.1.
Identifiers: ClinVar variation 4686715 (VCV004686715.1).